The following is an entry in ClinVar:

NM_001170700.3(DTHD1):c.1837G>C (p.Asp613His)

Gene: DTHD1 (death domain containing 1; plus strand). Cytogenetic location: 4p14.
Variant type: single nucleotide variant.
Coding change: c.1837G>C on transcript NM_001170700.3 (MANE Select); coding-DNA position 1837, G replaced by C.
Protein change: p.Asp613His; replaces aspartic acid 613 with histidine.
Molecular consequence: missense variant. On other transcripts: non-coding transcript variant (2).
Genome position (GRCh38, 1-based): chr4:36,308,235, G>C. VCF-style: chr4-36308235-G-C. GRCh37 (hg19) VCF-style: chr4-36309857-G-C.
Other names: c.967G>C, p.Asp323His (NM_001136536.5); c.904G>C, p.Asp302His (NM_001378435.1); short protein forms D323H, D613H, D302H.
Identifiers: ClinVar variation 3725387 (VCV003725387.2).

ClinVar aggregate classification (germline): Uncertain significance (1 of 4 stars; one submission).

Submission:

Labcorp Genetics (formerly Invitae), Labcorp
Classification: Uncertain significance. Last evaluated: 2024-11-27. Review status: criteria provided, single submitter. Criteria: Invitae Variant Classification Sherloc (09022015). Collection method: clinical testing. Allele origin: germline.
Comment: This sequence change replaces aspartic acid, which is acidic and polar, with histidine, which is basic and polar, at codon 323 of the DTHD1 protein (p.Asp323His). This variant is not present in population databases (gnomAD no frequency). This variant has not been reported in the literature in individuals affected with DTHD1-related conditions. An algorithm developed to predict the effect of missense changes on protein structure and function (PolyPhen-2) suggests that this variant is likely to be disruptive. Algorithms developed to predict the effect of sequence changes on RNA splicing suggest that this variant may disrupt the consensus splice site. In summary, the available evidence is currently insufficient to determine the role of this variant in disease. Therefore, it has been classified as a Variant of Uncertain Significance.